The following is an entry in ClinVar:

ClinVar aggregate classification (germline): Uncertain significance (1 of 4 stars; one submission).

Submission:

OLLIN Analises Genomicas, OLLIN
Classification: Uncertain significance. Last evaluated: 2026-08-06. Review status: criteria provided, single submitter. Criteria: ACMG Guidelines 2015 PMID 25741868. Collection method: clinical testing. Allele origin: germline.
Comment: This missense variant, located in exon 3 (of 8), is absent from gnomAD and ClinVar and has not been identified in the literature. In silico analysis predicts that this variant has a tolerated effect. According to the currently available evidence, this variant has been classified as uncertain significance (PM2_P, BP4_S).

NM_138702.1(MAGEC3):c.500G>T (p.Gly167Val)

Gene: MAGEC3 (MAGE family member C3; plus strand). Cytogenetic location: Xq27.2.
Variant type: single nucleotide variant.
Coding change: c.500G>T on transcript NM_138702.1 (MANE Select); coding-DNA position 500, G replaced by T.
Protein change: p.Gly167Val; replaces glycine 167 with valine.
Molecular consequence: missense variant.
Genome position (GRCh38, 1-based): chrX:141,879,416, G>T. VCF-style: chrX-141879416-G-T. GRCh37 (hg19) VCF-style: chrX-140967202-G-T.
Other names: short protein forms G167V.
Identifiers: ClinVar variation 5003140 (VCV005003140.1).